The following is an entry in ClinVar:

NM_001377.3(DYNC2H1):c.909T>A (p.Gly303=)

Gene: DYNC2H1 (dynein cytoplasmic 2 heavy chain 1; plus strand). Cytogenetic location: 11q22.3.
Variant type: single nucleotide variant.
Coding change: c.909T>A on transcript NM_001377.3 (MANE Select); coding-DNA position 909, T replaced by A.
Protein change: p.Gly303=; no amino-acid change (glycine 303 retained).
Molecular consequence: synonymous variant.
Genome position (GRCh38, 1-based): chr11:103,117,773, T>A. VCF-style: chr11-103117773-T-A. GRCh37 (hg19) VCF-style: chr11-102988502-T-A.
Other names: c.909T>A, p.Gly303= (NM_001080463.2).
Identifiers: ClinVar variation 1939866 (VCV001939866.2), dbSNP rs1349235062, ClinGen allele CA476738980.
Genomic context (GRCh38, chr11:103,117,773, plus strand): 5'-TCTGAAAGCTGGTATTTCAATTTGTGAACAGTGGGTGATAGTCTGTAATCATCTAACAGG[T>A]CAGGTGTGGCAGCGCTATGTTCCTCATCCATGGAAAAATGAAAAATATTTTCCAGAAACA-3'
Protein context (NP_001368.2, residues 293-313): QWVIVCNHLT[Gly303=]QVWQRYVPHP

ClinVar aggregate classification (germline): Uncertain significance (1 of 4 stars; one submission).

Conditions:
Jeune thoracic dystrophy. Also called: Jeune syndrome; Infantile thoracic dystrophy; Thoracic pelvic phalangeal dystrophy; Jeune's syndrome; Chondroectodermal dysplasia-like syndrome; Short-rib thoracic dysplasia. Identifiers: Orphanet 474, MedGen C0265275, MONDO:0018770.

Allele frequency attached by ClinVar (database versions not stated): gnomAD exomes below 0.00001.
gnomAD v4.1: 1 of 1,613,472 alleles (0.000062%); highest among the groups gnomAD compares: East Asian, 0.0022%; no homozygotes.

Submission:

Labcorp Genetics (formerly Invitae), Labcorp
Classification: Uncertain significance for Jeune thoracic dystrophy. Last evaluated: 2022-07-23. Review status: criteria provided, single submitter. Criteria: Invitae Variant Classification Sherloc (09022015). Collection method: clinical testing. Allele origin: germline.
Comment: This sequence change affects codon 303 of the DYNC2H1 mRNA. It is a 'silent' change, meaning that it does not change the encoded amino acid sequence of the DYNC2H1 protein. This variant is present in population databases (no rsID available, gnomAD 0.006%). This variant has not been reported in the literature in individuals affected with DYNC2H1-related conditions. Algorithms developed to predict the effect of sequence changes on RNA splicing suggest that this variant may disrupt the consensus splice site. In summary, the available evidence is currently insufficient to determine the role of this variant in disease. Therefore, it has been classified as a Variant of Uncertain Significance.